The following is an entry in ClinVar:

ClinVar aggregate classification (germline): Benign (1 of 4 stars; one submission).

Allele frequency attached by ClinVar (database versions not stated): 1000 Genomes Project 30x 0.00125; TOPMed 0.00137; 1000 Genomes Project 0.00140; ESP Exome Variant Server 0.00146; gnomAD 0.00228.
gnomAD v4.1: 2,887 of 1,613,274 alleles (0.18%); highest among the groups gnomAD compares: Non-Finnish European, 0.17%; 15 homozygotes.

Submission:

CeGaT Center for Human Genetics Tuebingen
Classification: Benign. Last evaluated: 2026-06-01. Review status: criteria provided, single submitter. Criteria: CeGaT Center For Human Genetics Tuebingen Variant Classification Criteria Version 2. Collection method: clinical testing. Allele origin: germline. Affected: yes. Observed: 11 variant alleles.
Comment: CLIP2: BS1, BS2

NM_003388.5(CLIP2):c.2657G>A (p.Arg886Gln)

Gene: CLIP2 (CAP-Gly domain containing linker protein 2; plus strand). Cytogenetic location: 7q11.23.
Variant type: single nucleotide variant.
Coding change: c.2657G>A on transcript NM_003388.5 (MANE Select); coding-DNA position 2657, G replaced by A.
Protein change: p.Arg886Gln; replaces arginine 886 with glutamine.
Molecular consequence: missense variant.
Genome position (GRCh38, 1-based): chr7:74,389,196, G>A. VCF-style: chr7-74389196-G-A. GRCh37 (hg19) VCF-style: chr7-73803526-G-A.
Other names: c.2552G>A, p.Arg851Gln (NM_032421.3); short protein forms R851Q, R886Q.
Identifiers: ClinVar variation 2657593 (VCV002657593.24), dbSNP rs141986767, ClinGen allele CA4296139.